The following is an entry in ClinVar:

ClinVar aggregate classification (germline): Benign (1 of 4 stars; one submission).

Allele frequency attached by ClinVar (database versions not stated): TOPMed 0.25031; gnomAD 0.25064 and 0.25290; 1000 Genomes Project 30x 0.26640; 1000 Genomes Project 0.26677.
gnomAD v4.1: 38,355 of 151,792 alleles (25%); highest among the groups gnomAD compares: East Asian, 34%; 4,902 homozygotes.

Submission:

GeneDx
Classification: Benign. Last evaluated: 2018-06-14. Review status: criteria provided, single submitter. Criteria: GeneDx Variant Classification (06012015). Collection method: clinical testing. Allele origin: germline. Affected: yes.
Comment: This variant is considered likely benign or benign based on one or more of the following criteria: it is a conservative change, it occurs at a poorly conserved position in the protein, it is predicted to be benign by multiple in silico algorithms, and/or has population frequency not consistent with disease.

NM_004239.4(TRIP11):c.140-251C>T

Gene: TRIP11 (thyroid hormone receptor interactor 11; minus strand). Cytogenetic location: 14q32.12.
Variant type: single nucleotide variant.
Coding change: c.140-251C>T on transcript NM_004239.4 (MANE Select); 251 bases into the intron before coding-DNA position 140, C replaced by T.
Molecular consequence: intron variant.
Genome position (GRCh38, 1-based): chr14:92,033,504, G>A on the plus strand (C>T on the coding strand, the complement: TRIP11 is on the minus strand). VCF-style: chr14-92033504-G-A. GRCh37 (hg19) VCF-style: chr14-92499848-G-A.
Other names: c.140-254C>T (NM_001321851.1).
Identifiers: ClinVar variation 667780 (VCV000667780.1), dbSNP rs7143499, ClinGen allele CA15808694.